The following is an entry in ClinVar:

NM_022089.4(ATP13A2):c.145G>A (p.Gly49Ser)

Gene: ATP13A2 (ATPase cation transporting 13A2; minus strand). Cytogenetic location: 1p36.13.
Variant type: single nucleotide variant.
Coding change: c.145G>A on transcript NM_022089.4 (MANE Select); coding-DNA position 145, G replaced by A.
Protein change: p.Gly49Ser; replaces glycine 49 with serine.
Molecular consequence: missense variant.
Genome position (GRCh38, 1-based): chr1:17,005,517, C>T on the plus strand (G>A on the coding strand, the complement: ATP13A2 is on the minus strand). VCF-style: chr1-17005517-C-T. GRCh37 (hg19) VCF-style: chr1-17332012-C-T.
Other names: c.145G>A, p.Gly49Ser (NM_001141973.3, NM_001141974.3); short protein forms G49S.
Identifiers: ClinVar variation 588136 (VCV000588136.58), dbSNP rs56379718, ClinGen allele CA637746.
Genomic context (GRCh38, chr1:17,005,517, plus strand): 5'-GCTTCCAACGGAAGAGCAGCAAAGGGATCCCAGCCATCATCCAGACCACGACGTGATAGC[C>T]GATGACCCTCCATGGACTGCCACAGTAGCCGCTGAGCCTCTGCGAACGCAGCGAGAGAGG-3'
Protein context (NP_071372.1, residues 39-59): GYCGSPWRVI[Gly49Ser]YHVVVWMMAG

ClinVar aggregate classification (germline): Benign/Likely benign. Review status: criteria provided, multiple submitters, no conflicts (2 of 4 stars). 5 submissions from 5 submitters: Benign (3); Likely benign (2). Last evaluated 2026-01-31.

Conditions:
Inborn genetic diseases. Identifiers: MedGen C0950123, MeSH D030342.
Kufor-Rakeb syndrome (KRS). Also called: PARKINSON DISEASE 9, AUTOSOMAL RECESSIVE, JUVENILE-ONSET. Identifiers: Orphanet 306674, Orphanet 314632, MedGen C1847640, MONDO:0011706, OMIM 606693.
Autosomal recessive spastic paraplegia type 78. Identifiers: Orphanet 513436, MedGen C5567893, MONDO:0014975, OMIM 617225.

Allele frequency attached by ClinVar (database versions not stated): gnomAD exomes 0.00068 and 0.00178; ExAC 0.00207; 1000 Genomes Project 0.00479; 1000 Genomes Project 30x 0.00531; gnomAD 0.00632 and 0.00681; ESP Exome Variant Server 0.00646; TOPMed 0.00675.
gnomAD v4.1: 2,011 of 1,614,234 alleles (0.12%); highest among the groups gnomAD compares: African/African-American, 2.2%; 20 homozygotes.

Submissions (5):

Labcorp Genetics (formerly Invitae), Labcorp
Classification: Benign for Kufor-Rakeb syndrome; Autosomal recessive spastic paraplegia type 78. Last evaluated: 2026-01-31. Review status: criteria provided, single submitter. Criteria: Invitae Variant Classification Sherloc (09022015). Collection method: clinical testing. Allele origin: germline.

Fulgent Genetics
Classification: Likely benign for Kufor-Rakeb syndrome; Autosomal recessive spastic paraplegia type 78. Last evaluated: 2022-04-06. Review status: criteria provided, single submitter. Criteria: ACMG Guidelines, 2015. Collection method: clinical testing. Allele origin: unknown.

GeneDx
Classification: Likely benign. Last evaluated: 2020-12-10. Review status: criteria provided, single submitter. Criteria: GeneDx Variant Classification Process June 2021. Collection method: clinical testing. Allele origin: germline. Affected: yes.

Illumina Laboratory Services, Illumina
Classification: Benign for Kufor-Rakeb syndrome. Last evaluated: 2017-04-27. Review status: criteria provided, single submitter. Criteria: ICSL Variant Classification Criteria 13 December 2019. Collection method: clinical testing. Allele origin: germline.
Comment: This variant was observed as part of a predisposition screen in an ostensibly healthy population. A literature search was performed for the gene, cDNA change, and amino acid change (where applicable). Publications were found based on this search. The evidence from the literature, in combination with allele frequency data from public databases where available, was sufficient to rule this variant out of causing disease. Therefore, this variant is classified as benign.

Ambry Genetics
Classification: Benign for Inborn genetic diseases. Last evaluated: 2016-03-21. Review status: criteria provided, single submitter. Criteria: Ambry Variant Classification Scheme 2023. Collection method: clinical testing. Allele origin: germline.

Literature cited by the submitters: PubMed 19085912 (cited by Illumina Laboratory Services, Illumina).